The following is an entry in ClinVar:

NM_001127644.2(GABRA1):c.1033G>A (p.Asp345Asn)

Gene: GABRA1 (gamma-aminobutyric acid type A receptor subunit alpha1; plus strand). Cytogenetic location: 5q34.
Variant type: single nucleotide variant.
Coding change: c.1033G>A on transcript NM_001127644.2 (MANE Select); coding-DNA position 1033, G replaced by A.
Protein change: p.Asp345Asn; replaces aspartic acid 345 with asparagine.
Molecular consequence: missense variant.
Genome position (GRCh38, 1-based): chr5:161,895,842, G>A. VCF-style: chr5-161895842-G-A. GRCh37 (hg19) VCF-style: chr5-161322848-G-A.
Other names: c.1033G>A, p.Asp345Asn (NM_000806.5, NM_001127643.2, NM_001127645.2 and 1 more transcripts); short protein forms D345N.
Identifiers: ClinVar variation 1054656 (VCV001054656.9), dbSNP rs2113465051, ClinGen allele CA362180454.
Genomic context (GRCh38, chr5:161,895,842, plus strand): 5'-TTCTCAGCTCTGATTGAGTTTGCCACAGTAAACTATTTCACTAAGAGAGGTTATGCATGG[G>A]ATGGCAAAAGTGTGGTTCCAGAAAAGGTAAATGCTTTAATGGTCACTGTAGTACATCAAT-3'
Protein context (NP_001121116.1, residues 335-355): NYFTKRGYAW[Asp345Asn]GKSVVPEKPK

ClinVar aggregate classification (germline): Uncertain significance (1 of 4 stars; one submission).

Conditions:
Epilepsy, childhood absence 4 (ECA4). Also called: EPILEPSY, CHILDHOOD ABSENCE, SUSCEPTIBILITY TO, 4. Identifiers: Orphanet 307, MedGen C1970160.
Epilepsy, idiopathic generalized, susceptibility to, 13. Also called: EPILEPSY, JUVENILE MYOCLONIC, SUSCEPTIBILITY TO, 5. Identifiers: Orphanet 307, Orphanet 64280, MedGen C4013473, MONDO:0012627, OMIM 611136.
Idiopathic generalized epilepsy. Also called: Generalised epilepsy; EIG. Identifiers: MedGen C0270850, MONDO:0005579, OMIM 600669.

Submission:

Labcorp Genetics (formerly Invitae), Labcorp
Classification: Uncertain significance for Epilepsy, childhood absence 4; Epilepsy, idiopathic generalized, susceptibility to, 13; Idiopathic generalized epilepsy. Last evaluated: 2020-01-02. Review status: criteria provided, single submitter. Criteria: Invitae Variant Classification Sherloc (09022015). Collection method: clinical testing. Allele origin: germline.
Comment: Algorithms developed to predict the effect of missense changes on protein structure and function are either unavailable or do not agree on the potential impact of this missense change (SIFT: "Tolerated"; PolyPhen-2: "Probably Damaging"; Align-GVGD: "Class C0"). In summary, the available evidence is currently insufficient to determine the role of this variant in disease. Therefore, it has been classified as a Variant of Uncertain Significance. This variant has not been reported in the literature in individuals with GABRA1-related conditions. This variant is not present in population databases (ExAC no frequency). This sequence change replaces aspartic acid with asparagine at codon 345 of the GABRA1 protein (p.Asp345Asn). The aspartic acid residue is highly conserved and there is a small physicochemical difference between aspartic acid and asparagine.